The following is an entry in ClinVar:

NM_000548.5(TSC2):c.3170C>A (p.Thr1057Asn)

Gene: TSC2 (TSC complex subunit 2; plus strand). Cytogenetic location: 16p13.3.
Variant type: single nucleotide variant.
Coding change: c.3170C>A on transcript NM_000548.5 (MANE Select); coding-DNA position 3170, C replaced by A.
Protein change: p.Thr1057Asn; replaces threonine 1057 with asparagine.
Molecular consequence: missense variant. On other transcripts: non-coding transcript variant (5).
Genome position (GRCh38, 1-based): chr16:2,079,314, C>A. VCF-style: chr16-2079314-C-A. GRCh37 (hg19) VCF-style: chr16-2129315-C-A.
Other names: c.3038C>A, p.Thr1013Asn (NM_001077183.3, NM_001370404.1, NM_001406665.1); c.3170C>A, p.Thr1057Asn (NM_001114382.3); c.2930C>A, p.Thr977Asn (NM_001318827.2); c.2894C>A, p.Thr965Asn (NM_001318829.2); c.2438C>A, p.Thr813Asn (NM_001318831.2, NM_001406687.1, NM_001406688.1); c.3071C>A, p.Thr1024Asn (NM_001318832.2); c.3041C>A, p.Thr1014Asn (NM_001363528.2, NM_001370405.1, NM_021055.3); c.3167C>A, p.Thr1056Asn (NM_001406663.1, NM_001406664.1); and 18 more; short protein forms T1009N, T1014N, T479N, T565N, T860N, T965N, T994N, T1010N.
Identifiers: ClinVar variation 2449956 (VCV002449956.5), dbSNP rs1596383758, ClinGen allele CA394285444.

ClinVar aggregate classification (germline): Uncertain significance. Review status: criteria provided, multiple submitters, no conflicts (2 of 4 stars). 2 submissions from 2 submitters: Uncertain significance (2). Last evaluated 2022-12-13.

Conditions:
Tuberous sclerosis 2 (TSC2). Identifiers: Orphanet 805, MedGen C1860707, MONDO:0013199, OMIM 613254.
Hereditary cancer-predisposing syndrome. Also called: Hereditary neoplastic syndrome; Tumor predisposition; Neoplastic Syndromes, Hereditary; Hereditary Cancer Syndrome. Identifiers: Orphanet 140162, MedGen C0027672, MeSH D009386, MONDO:0015356.

Submissions (2):

Labcorp Genetics (formerly Invitae), Labcorp
Classification: Uncertain significance for Tuberous sclerosis 2. Last evaluated: 2022-12-13. Review status: criteria provided, single submitter. Criteria: Invitae Variant Classification Sherloc (09022015). Collection method: clinical testing. Allele origin: germline.
Comment: Advanced modeling of protein sequence and biophysical properties (such as structural, functional, and spatial information, amino acid conservation, physicochemical variation, residue mobility, and thermodynamic stability) performed at Invitae indicates that this missense variant is not expected to disrupt TSC2 protein function. In summary, the available evidence is currently insufficient to determine the role of this variant in disease. Therefore, it has been classified as a Variant of Uncertain Significance. This variant has not been reported in the literature in individuals affected with TSC2-related conditions. This variant is not present in population databases (gnomAD no frequency). This sequence change replaces threonine, which is neutral and polar, with asparagine, which is neutral and polar, at codon 1057 of the TSC2 protein (p.Thr1057Asn).

Ambry Genetics
Classification: Uncertain significance for Hereditary cancer-predisposing syndrome. Last evaluated: 2022-11-18. Review status: criteria provided, single submitter. Criteria: Ambry Variant Classification Scheme 2023. Collection method: clinical testing. Allele origin: germline.
Comment: The p.T1057N variant (also known as c.3170C>A), located in coding exon 27 of the TSC2 gene, results from a C to A substitution at nucleotide position 3170. The threonine at codon 1057 is replaced by asparagine, an amino acid with similar properties. This amino acid position is conserved. In addition, the in silico prediction for this alteration is inconclusive. Since supporting evidence is limited at this time, the clinical significance of this alteration remains unclear.